The following is an entry in ClinVar:

NM_000064.4(C3):c.3959G>A (p.Arg1320Gln)

Gene: C3 (complement C3; minus strand). Cytogenetic location: 19p13.3.
Variant type: single nucleotide variant.
Coding change: c.3959G>A on transcript NM_000064.4 (MANE Select); coding-DNA position 3959, G replaced by A.
Protein change: p.Arg1320Gln; replaces arginine 1320 with glutamine.
Molecular consequence: missense variant.
Genome position (GRCh38, 1-based): chr19:6,684,998, C>T on the plus strand (G>A on the coding strand, the complement: C3 is on the minus strand). VCF-style: chr19-6684998-C-T. GRCh37 (hg19) VCF-style: chr19-6685009-C-T.
Other names: short protein forms R1320Q.
Identifiers: ClinVar variation 4280230 (VCV004280230.1).

ClinVar aggregate classification (germline): Uncertain significance (1 of 4 stars; one submission).

Conditions:
C3 glomerulonephritis. Also called: C3 GLOMERULOPATHY 3; Nephropathy due to CFHR5 Deficiency. Identifiers: Orphanet 329931, MedGen C4055342, MONDO:0013892, OMIM 614809.

gnomAD v4.1: 4 of 1,613,510 alleles (0.00025%); highest among the groups gnomAD compares: Non-Finnish European, 0.00034%; no homozygotes.

Submission:

Genomenon, Inc
Classification: Uncertain significance for C3 glomerulonephritis. Last evaluated: 2025-09-30. Review status: criteria provided, single submitter. Criteria: Genomenon Sequence Variant Interpretation Standards. Collection method: curation. Allele origin: germline. Affected: yes.
Comment: C3 p.Arg1320Gln (c.3959G>A) is a missense variant that changes the amino acid at residue 1320 from Arginine to Glutamine. This variant has been observed in at least one proband affected with C3 glomerulonephritis (PMID:26895476). It is absent or not present at a significant frequency in gnomAD. In silico models agree that this variant is not damaging. In conclusion, we classify C3 p.Arg1320Gln (c.3959G>A) as a variant of unknown significance.

Literature cited by the submitters: PubMed 26895476.